The following is an entry in ClinVar:

ClinVar aggregate classification (germline): Likely pathogenic (1 of 4 stars; one submission).

Conditions:
Developmental and epileptic encephalopathy, 74. Also called: EPILEPTIC ENCEPHALOPATHY, EARLY INFANTILE, 74. Identifiers: MedGen C5193074, MONDO:0032725, OMIM 618396.

Submission:

Institute for Clinical Genetics, University Hospital TU Dresden, University Hospital TU Dresden
Classification: Likely pathogenic for Developmental and epileptic encephalopathy, 74. Last evaluated: 2023-12-19. Review status: criteria provided, single submitter. Criteria: ACMG Guidelines, 2015. Collection method: clinical testing. Allele origin: germline. Affected: yes.
Comment: The above-mentioned reading frame variant in the GABRG2 gene (NM_198904.4:c.137 del, p.(Tyr46Leufs*12)) leads to a reading frame shift and termination of translation by a premature stop codon in exon 2 of 11 due to the loss of a base pair. At the protein level, either a shortened, non-functional or functionally altered protein is formed or the mRNA is prematurely degraded by nonsense mediated mRNA decay (NMD). This variant is not yet listed in the ClinVar database. An effect of the variant at protein level has not yet been confirmed by functional studies. The variant has not yet been detected in the gnomAD database of healthy individuals. According to current ACMG recommendations for variant assessment (PMID 25741868), the criteria PVS1 and PM2_SUP are fulfilled, resulting in an assessment as a probably pathogenic variant (ACMG class 4).

NM_198904.4(GABRG2):c.137del (p.Tyr46fs)

Gene: GABRG2 (gamma-aminobutyric acid type A receptor subunit gamma2; plus strand). Cytogenetic location: 5q34.
Variant type: Deletion.
Coding change: c.137del on transcript NM_198904.4 (MANE Select); coding-DNA position 137, one base deleted (A; older notation c.137delA).
Protein change: p.Tyr46fs; shifts the reading frame from tyrosine 46.
Molecular consequence: frameshift variant. On other transcripts: 5 prime UTR variant (3).
Genome position (GRCh38, 1-based): chr5:162,093,857, A deleted. VCF-style (leftmost placement, unchanged base first): chr5-162093856-TA-T. GRCh37 (hg19) VCF-style: chr5-161520862-TA-T.
Other names: c.137del, p.Tyr46fs (NM_000816.3, NM_001375340.1, NM_001375341.1 and 4 more transcripts); c.128del, p.Tyr43fs (NM_001375339.1); c.71del, p.Tyr24fs (NM_001375345.1, NM_001375346.1); c.50del, p.Tyr17fs (NM_001375347.1); c.-222del (NM_001375348.1, NM_001375350.1); c.-149del (NM_001375349.1); short protein forms Y17fs, Y24fs, Y43fs, Y46fs.
Identifiers: ClinVar variation 4850090 (VCV004850090.1).